The following is an entry in ClinVar:

ClinVar aggregate classification (germline): Benign/Likely benign. Review status: criteria provided, multiple submitters, no conflicts (2 of 4 stars). 3 submissions from 3 submitters: Benign (2); Likely benign (1). Last evaluated 2026-08-02.

Conditions:
PIGG-related disorder. Also called: PIGG-related condition.
Intellectual disability, autosomal recessive 53 (NEDHSCA). Also called: GLYCOSYLPHOSPHATIDYLINOSITOL BIOSYNTHESIS DEFECT 13; Mental retardation, autosomal recessive 53; NEURODEVELOPMENTAL DISORDER WITH OR WITHOUT HYPOTONIA, SEIZURES, AND CEREBELLAR ATROPHY. Identifiers: Orphanet 488635, MedGen C4310794, MONDO:0014832, OMIM 616917.

Allele frequency attached by ClinVar (database versions not stated): ESP Exome Variant Server 0.00008; gnomAD 0.00137; TOPMed 0.00190; 1000 Genomes Project 0.00399; 1000 Genomes Project 30x 0.00406.
gnomAD v4.1: 1,235 of 1,614,170 alleles (0.077%); highest among the groups gnomAD compares: East Asian, 2.5%; 15 homozygotes.

Submissions (3):

PreventionGenetics, part of Exact Sciences
Classification: Benign for PIGG-related condition. Last evaluated: 2026-08-02. Review status: criteria provided, single submitter. Criteria: ACMG Guidelines, 2015. Collection method: clinical testing. Allele origin: germline.
Comment: This variant is classified as benign based on ACMG/AMP sequence variant interpretation guidelines (Richards et al. 2015 PMID: 25741868, with internal and published modifications).

Labcorp Genetics (formerly Invitae), Labcorp
Classification: Benign for Intellectual disability, autosomal recessive 53. Last evaluated: 2026-01-26. Review status: criteria provided, single submitter. Criteria: Invitae Variant Classification Sherloc (09022015). Collection method: clinical testing. Allele origin: germline.

GeneDx
Classification: Likely benign. Last evaluated: 2021-03-30. Review status: criteria provided, single submitter. Criteria: GeneDx Variant Classification Process June 2021. Collection method: clinical testing. Allele origin: germline. Affected: yes.

NM_001127178.3(PIGG):c.2150C>A (p.Ser717Tyr)

Gene: PIGG (phosphatidylinositol glycan anchor biosynthesis class G (EMM blood group); plus strand). Cytogenetic location: 4p16.3.
Variant type: single nucleotide variant.
Coding change: c.2150C>A on transcript NM_001127178.3 (MANE Select); coding-DNA position 2150, C replaced by A.
Protein change: p.Ser717Tyr; replaces serine 717 with tyrosine.
Molecular consequence: missense variant. On other transcripts: non-coding transcript variant (10).
Genome position (GRCh38, 1-based): chr4:527,119, C>A. VCF-style: chr4-527119-C-A. GRCh37 (hg19) VCF-style: chr4-520908-C-A.
Other names: c.1883C>A, p.Ser628Tyr (NM_001289051.2, NM_001345986.2); c.1751C>A, p.Ser584Tyr (NM_001289052.2); c.1859C>A, p.Ser620Tyr (NM_001345987.2); c.1121C>A, p.Ser374Tyr (NM_001345988.2); c.617C>A, p.Ser206Tyr (NM_001345990.2, NM_001345991.2); c.1052C>A, p.Ser351Tyr (NM_001345994.2); c.2126C>A, p.Ser709Tyr (NM_017733.5); short protein forms S717Y, S206Y, S351Y, S620Y, S709Y, S374Y, S628Y, S584Y.
Identifiers: ClinVar variation 476331 (VCV000476331.13), dbSNP rs117059276, ClinGen allele CA2793554.